The following is an entry in ClinVar:

NM_000431.4(MVK):c.172A>G (p.Ile58Val)

Gene: MVK (mevalonate kinase; plus strand). Cytogenetic location: 12q24.11.
Variant type: single nucleotide variant.
Coding change: c.172A>G on transcript NM_000431.4 (MANE Select); coding-DNA position 172, A replaced by G.
Protein change: p.Ile58Val; replaces isoleucine 58 with valine.
Molecular consequence: missense variant.
Genome position (GRCh38, 1-based): chr12:109,576,091, A>G. VCF-style: chr12-109576091-A-G. GRCh37 (hg19) VCF-style: chr12-110013896-A-G.
Other names: c.172A>G, p.Ile58Val (NM_001414514.1, NM_001114185.3, NM_001301182.2 and 3 more transcripts); c.-411A>G (NM_001414515.1); short protein forms I58V.
Identifiers: ClinVar variation 2172951 (VCV002172951.2), dbSNP rs2548618829, ClinGen allele CA386643694.

ClinVar aggregate classification (germline): Uncertain significance. Review status: criteria provided, multiple submitters, no conflicts (2 of 4 stars). 2 submissions from 2 submitters: Uncertain significance (2). Last evaluated 2023-10-01.

Conditions:
Retinal dystrophy. Also called: Inherited retinal dystrophy. Identifiers: Orphanet 71862, MedGen C0854723, MeSH D058499, MONDO:0019118, HP:0000556.
Hyperimmunoglobulin D with periodic fever (HIDS). Also called: Hyperimmunoglobulinemia D; Hyperimmunoglobulinemia D with periodic fever; HYPERIMMUNOGLOBULINEMIA D AND PERIODIC FEVER SYNDROME. Identifiers: Orphanet 343, MedGen C0398691, MONDO:0009849, OMIM 260920.
Porokeratosis 3, disseminated superficial actinic type (POROK3). Also called: POROKERATOSIS 3, MULTIPLE TYPES; POROKERATOSIS 3, MIBELLI TYPE; POROKERATOSIS, DISSEMINATED SUPERFICIAL ACTINIC, 1. Identifiers: MedGen C1867981, MONDO:0008293, OMIM 175900.
Mevalonic aciduria (MEVA). Identifiers: Orphanet 29, MedGen C1959626, MONDO:0012481, OMIM 610377.

Allele frequency attached by ClinVar (database versions not stated): gnomAD exomes below 0.00001.
gnomAD v4.1: 5 of 1,614,186 alleles (0.00031%); highest among the groups gnomAD compares: East Asian, 0.0067%; no homozygotes.

Submissions (2):

Dept Of Ophthalmology, Nagoya University
Classification: Uncertain significance for Retinal dystrophy. Last evaluated: 2023-10-01. Review status: criteria provided, single submitter. Criteria: Submitter's publication. Collection method: research. Allele origin: germline. Affected: yes.

Labcorp Genetics (formerly Invitae), Labcorp
Classification: Uncertain significance for Mevalonic aciduria; Hyperimmunoglobulin D with periodic fever; Porokeratosis 3, disseminated superficial actinic type. Last evaluated: 2022-03-01. Review status: criteria provided, single submitter. Criteria: Invitae Variant Classification Sherloc (09022015). Collection method: clinical testing. Allele origin: germline.
Comment: This sequence change replaces isoleucine, which is neutral and non-polar, with valine, which is neutral and non-polar, at codon 58 of the MVK protein (p.Ile58Val). This variant is not present in population databases (gnomAD no frequency). This variant has not been reported in the literature in individuals affected with MVK-related conditions. Advanced modeling of protein sequence and biophysical properties (such as structural, functional, and spatial information, amino acid conservation, physicochemical variation, residue mobility, and thermodynamic stability) performed at Invitae indicates that this missense variant is not expected to disrupt MVK protein function. In summary, the available evidence is currently insufficient to determine the role of this variant in disease. Therefore, it has been classified as a Variant of Uncertain Significance.